The following is an entry in ClinVar:

NM_005321.3(H1-4):c.462C>T (p.Thr154=)

Gene: H1-4 (H1.4 linker histone, cluster member; plus strand). Cytogenetic location: 6p22.2.
Variant type: single nucleotide variant.
Coding change: c.462C>T on transcript NM_005321.3 (MANE Select); coding-DNA position 462, C replaced by T.
Protein change: p.Thr154=; no amino-acid change (threonine 154 retained).
Molecular consequence: synonymous variant.
Genome position (GRCh38, 1-based): chr6:26,156,852, C>T. VCF-style: chr6-26156852-C-T. GRCh37 (hg19) VCF-style: chr6-26157080-C-T.
Other names: c.462C>T (NM_005321.2).
Identifiers: ClinVar variation 1695153 (VCV001695153.33), dbSNP rs537380925, ClinGen allele CA3668144.

ClinVar aggregate classification (germline): Benign/Likely benign. Review status: criteria provided, multiple submitters, no conflicts (2 of 4 stars). 3 submissions from 3 submitters: Benign (1); Likely benign (1). 1 of the submissions does not count toward it. Last evaluated 2022-06-01.

Conditions:
H1-4-related disorder. Also called: H1-4-related condition.

Allele frequency attached by ClinVar (database versions not stated): gnomAD 0.00001 and 0.00005; TOPMed 0.00001; 1000 Genomes Project 0.00020; 1000 Genomes Project 30x 0.00031; ExAC 0.00032.
gnomAD v4.1: 204 of 1,607,508 alleles (0.013%); highest among the groups gnomAD compares: South Asian, 0.2%; no homozygotes.

Submissions (3):

CeGaT Center for Human Genetics Tuebingen
Classification: Benign. Last evaluated: 2022-06-01. Review status: criteria provided, single submitter. Criteria: CeGaT Center For Human Genetics Tuebingen Variant Classification Criteria Version 2. Collection method: clinical testing. Allele origin: germline. Affected: yes. Observed: 1 variant allele.
Comment: H1-4: BS1, BS2

Breakthrough Genomics
Classification: Likely benign. Review status: criteria provided, single submitter. Criteria: ACMG Guidelines, 2015. Collection method: not provided. Allele origin: germline. Inheritance: Autosomal dominant inheritance. Affected: yes.

PreventionGenetics, part of Exact Sciences
Classification: Likely benign for H1-4-related condition. Last evaluated: 2019-05-10. Review status: no assertion criteria provided. Collection method: clinical testing. Allele origin: germline. Not counted in ClinVar's aggregate classification.
Comment: This variant is classified as likely benign based on ACMG/AMP sequence variant interpretation guidelines (Richards et al. 2015 PMID: 25741868, with internal and published modifications).